The following is an entry in ClinVar:

NM_000270.4(PNP):c.664G>T (p.Val222Leu)

Gene: PNP (purine nucleoside phosphorylase; plus strand). Cytogenetic location: 14q11.2.
Variant type: single nucleotide variant.
Coding change: c.664G>T on transcript NM_000270.4 (MANE Select); coding-DNA position 664, G replaced by T.
Protein change: p.Val222Leu; replaces valine 222 with leucine.
Molecular consequence: missense variant.
Genome position (GRCh38, 1-based): chr14:20,476,395, G>T. VCF-style: chr14-20476395-G-T. GRCh37 (hg19) VCF-style: chr14-20944554-G-T.
Other names: short protein forms V222L.
Identifiers: ClinVar variation 1413264 (VCV001413264.6), dbSNP rs1408187980, ClinGen allele CA389145896.

ClinVar aggregate classification (germline): Uncertain significance (1 of 4 stars; one submission).

Conditions:
Purine-nucleoside phosphorylase deficiency. Also called: NUCLEOSIDE PHOSPHORYLASE DEFICIENCY; Immunodeficiency due to purine nucleoside phosphorylase deficiency. Identifiers: Orphanet 760, MedGen C0268125, MONDO:0013171, OMIM 613179.

Submission:

Labcorp Genetics (formerly Invitae), Labcorp
Classification: Uncertain significance for Purine-nucleoside phosphorylase deficiency. Last evaluated: 2021-08-25. Review status: criteria provided, single submitter. Criteria: Invitae Variant Classification Sherloc (09022015). Collection method: clinical testing. Allele origin: germline.
Comment: This sequence change replaces valine with leucine at codon 222 of the PNP protein (p.Val222Leu). The valine residue is moderately conserved and there is a small physicochemical difference between valine and leucine. This variant is not present in population databases (ExAC no frequency). This variant has not been reported in the literature in individuals affected with PNP-related conditions. Algorithms developed to predict the effect of missense changes on protein structure and function are either unavailable or do not agree on the potential impact of this missense change (SIFT: "Deleterious"; PolyPhen-2: "Possibly Damaging"; Align-GVGD: "Class C0"). In summary, the available evidence is currently insufficient to determine the role of this variant in disease. Therefore, it has been classified as a Variant of Uncertain Significance.